The following is an entry in ClinVar:

ClinVar aggregate classification (germline): Uncertain significance (1 of 4 stars; one submission).

Conditions:
Malignant hyperthermia, susceptibility to, 5 (MHS5). Also called: CACNA1S-Related Malignant Hyperthermia Susceptibility. Identifiers: Orphanet 423, MedGen C1866077, MONDO:0011163, OMIM 601887.
Hypokalemic periodic paralysis, type 1. Also called: Hypokalemic Periodic Paralysis Type 1 (AD); HypoPP. Identifiers: Orphanet 681, MedGen C3714580, MONDO:0042979, OMIM 170400.

Allele frequency attached by ClinVar (database versions not stated): gnomAD exomes below 0.00001; TOPMed 0.00002.
gnomAD v4.1: 1 of 1,614,110 alleles (0.000062%); highest among the groups gnomAD compares: African/African-American, 0.0013%; no homozygotes.

Submission:

Labcorp Genetics (formerly Invitae), Labcorp
Classification: Uncertain significance for Hypokalemic periodic paralysis, type 1; Malignant hyperthermia, susceptibility to, 5. Last evaluated: 2022-08-09. Review status: criteria provided, single submitter. Criteria: Invitae Variant Classification Sherloc (09022015). Collection method: clinical testing. Allele origin: germline.
Comment: In summary, the available evidence is currently insufficient to determine the role of this variant in disease. Therefore, it has been classified as a Variant of Uncertain Significance. Advanced modeling of protein sequence and biophysical properties (such as structural, functional, and spatial information, amino acid conservation, physicochemical variation, residue mobility, and thermodynamic stability) performed at Invitae indicates that this missense variant is not expected to disrupt CACNA1S protein function. This variant has not been reported in the literature in individuals affected with CACNA1S-related conditions. This variant is not present in population databases (gnomAD no frequency). This sequence change replaces glutamic acid, which is acidic and polar, with valine, which is neutral and non-polar, at codon 1348 of the CACNA1S protein (p.Glu1348Val).

NM_000069.3(CACNA1S):c.4043A>T (p.Glu1348Val)

Gene: CACNA1S (calcium voltage-gated channel subunit alpha1 S; minus strand). Cytogenetic location: 1q32.1.
Variant type: single nucleotide variant.
Coding change: c.4043A>T on transcript NM_000069.3 (MANE Select); coding-DNA position 4043, A replaced by T.
Protein change: p.Glu1348Val; replaces glutamic acid 1348 with valine.
Molecular consequence: missense variant.
Genome position (GRCh38, 1-based): chr1:201,051,054, T>A on the plus strand (A>T on the coding strand, the complement: CACNA1S is on the minus strand). VCF-style: chr1-201051054-T-A. GRCh37 (hg19) VCF-style: chr1-201020182-T-A.
Other names: short protein forms E1348V.
Identifiers: ClinVar variation 2158892 (VCV002158892.4), dbSNP rs1310927239, ClinGen allele CA344150236.
Genomic context (GRCh38, chr1:201,051,054, plus strand): 5'-CAGAGCATGTAGAAGCTGATGAAGTAGTAGTATGCAAAGTTGGTGCCACATGTGTACTCC[T>A]CCCCTGGGGCATAGTCCGACTCTGGGTCACACAGCTTCCCATAGCTGCAGGCCAGTAGGA-3'
Protein context (NP_000060.2, residues 1338-1358): CDPESDYAPG[Glu1348Val]EYTCGTNFAY